The following is an entry in ClinVar:

ClinVar aggregate classification (germline): Likely benign (1 of 4 stars; one submission).

gnomAD v4.1: 4 of 1,609,610 alleles (0.00025%); highest among the groups gnomAD compares: Admixed American, 0.0033%; no homozygotes.

Submission:

CeGaT Center for Human Genetics Tuebingen
Classification: Likely benign. Last evaluated: 2026-05-01. Review status: criteria provided, single submitter. Criteria: CeGaT Center For Human Genetics Tuebingen Variant Classification Criteria Version 2. Collection method: clinical testing. Allele origin: germline. Affected: yes. Observed: 1 variant allele.
Comment: DNM1L: BP4, BP7

NM_012062.5(DNM1L):c.1989A>G (p.Gln663=)

Gene: DNM1L (dynamin 1L; plus strand). Cytogenetic location: 12p11.21.
Variant type: single nucleotide variant.
Coding change: c.1989A>G on transcript NM_012062.5 (MANE Select); coding-DNA position 1989, A replaced by G.
Protein change: p.Gln663=; no amino-acid change (glutamine 663 retained).
Molecular consequence: synonymous variant.
Genome position (GRCh38, 1-based): chr12:32,740,513, A>G. VCF-style: chr12-32740513-A-G. GRCh37 (hg19) VCF-style: chr12-32893447-A-G.
Other names: c.1956A>G, p.Gln652= (NM_001278463.2); c.2028A>G, p.Gln676= (NM_001278464.2); c.1995A>G, p.Gln665= (NM_001278465.2); c.1380A>G, p.Gln460= (NM_001278466.2); c.1917A>G, p.Gln639= (NM_001330380.2); c.1878A>G, p.Gln626= (NM_005690.5); c.1911A>G, p.Gln637= (NM_012063.4).
Identifiers: ClinVar variation 4873427 (VCV004873427.2).